The following is an entry in ClinVar:

NM_006623.4(PHGDH):c.822C>A (p.Asp274Glu)

Gene: PHGDH (phosphoglycerate dehydrogenase; plus strand). Cytogenetic location: 1p12.
Variant type: single nucleotide variant.
Coding change: c.822C>A on transcript NM_006623.4 (MANE Select); coding-DNA position 822, C replaced by A.
Protein change: p.Asp274Glu; replaces aspartic acid 274 with glutamic acid.
Molecular consequence: missense variant.
Genome position (GRCh38, 1-based): chr1:119,737,143, C>A. VCF-style: chr1-119737143-C-A. GRCh37 (hg19) VCF-style: chr1-120279766-C-A.
Other names: short protein forms D274E.
Identifiers: ClinVar variation 1449601 (VCV001449601.3), dbSNP rs370045696, ClinGen allele CA1037274.

ClinVar aggregate classification (germline): Uncertain significance (1 of 4 stars; one submission).

Conditions:
PHGDH deficiency. Identifiers: Orphanet 79351, MedGen C1866174, MONDO:0011152, OMIM 601815.

Allele frequency attached by ClinVar (database versions not stated): gnomAD 0.00001; gnomAD exomes 0.00003; TOPMed 0.00003; ExAC 0.00006; ESP Exome Variant Server 0.00008.
gnomAD v4.1: 42 of 1,614,038 alleles (0.0026%); highest among the groups gnomAD compares: Non-Finnish European, 0.0034%; no homozygotes.

Submission:

Labcorp Genetics (formerly Invitae), Labcorp
Classification: Uncertain significance for PHGDH deficiency. Last evaluated: 2022-07-19. Review status: criteria provided, single submitter. Criteria: Invitae Variant Classification Sherloc (09022015). Collection method: clinical testing. Allele origin: germline.
Comment: This sequence change replaces aspartic acid, which is acidic and polar, with glutamic acid, which is acidic and polar, at codon 274 of the PHGDH protein (p.Asp274Glu). This variant is present in population databases (rs370045696, gnomAD 0.008%). This variant has not been reported in the literature in individuals affected with PHGDH-related conditions. ClinVar contains an entry for this variant (Variation ID: 1449601). Algorithms developed to predict the effect of missense changes on protein structure and function output the following: SIFT: "Tolerated"; PolyPhen-2: "Benign"; Align-GVGD: "Class C0". The glutamic acid amino acid residue is found in multiple mammalian species, which suggests that this missense change does not adversely affect protein function. In summary, the available evidence is currently insufficient to determine the role of this variant in disease. Therefore, it has been classified as a Variant of Uncertain Significance.